The following is an entry in ClinVar:

NM_012186.3(FOXE3):c.903dup (p.Gly302fs)

Genes: FOXE3 (forkhead box E3; plus strand), LINC01389 (long independently transcribed non-coding RNA 1389; minus strand). Cytogenetic location: 1p33.
Variant type: Duplication.
Coding change: c.903dup on transcript NM_012186.3 (MANE Select); coding-DNA position 903, one base duplicated (T; older notation c.903dupT).
Protein change: p.Gly302fs; shifts the reading frame from glycine 302.
Molecular consequence: frameshift variant.
Genome position (GRCh38, 1-based): chr1:47,417,218, T duplicated. VCF-style (leftmost placement, unchanged base first): chr1-47417217-C-CT. GRCh37 (hg19) VCF-style: chr1-47882889-C-CT.
Other names: short protein forms G302fs.
Identifiers: ClinVar variation 4784121 (VCV004784121.1).
Genomic context (GRCh38, chr1:47,417,217, plus strand): 5'-TGCCCGCTGAGCCCCTCCTGGCCTTGGCCGGGCCGGCAGCCGCTCTCGGCCCGCTCAGCC[C>CT]TGGGGAGGCCTACCTGAGGCAGCCGGGCTTCGCGTCGGGGCTGGAGCGCTACCTGTGAGC-3'

ClinVar aggregate classification (germline): Uncertain significance (1 of 4 stars; one submission).

Conditions:
Anterior segment dysgenesis. Also called: Ocular anterior segment dysgenesis. Identifiers: Orphanet 88632, MedGen C1862839, MONDO:0019503, HP:0007700.
Congenital primary aphakia. Also called: Anterior segment dysgenesis 2, multiple subtypes; ANTERIOR SEGMENT DYSGENESIS 2. Identifiers: Orphanet 83461, MedGen C1853230, MONDO:0012456, OMIM 610256.

Submission:

Labcorp Genetics (formerly Invitae), Labcorp
Classification: Uncertain significance for Anterior segment dysgenesis; Congenital primary aphakia. Last evaluated: 2025-02-10. Review status: criteria provided, single submitter. Criteria: Invitae Variant Classification Sherloc (09022015). Collection method: clinical testing. Allele origin: germline.
Comment: This sequence change results in a frameshift in the FOXE3 gene (p.Gly302Trpfs*130). While this is not anticipated to result in nonsense mediated decay, it is expected to disrupt the last 18 amino acid(s) of the FOXE3 protein and extend the protein by 111 additional amino acid residues. This variant is not present in population databases (gnomAD no frequency). This variant has not been reported in the literature in individuals affected with FOXE3-related conditions. Experimental studies and prediction algorithms are not available or were not evaluated, and the functional significance of this variant is currently unknown. In summary, the available evidence is currently insufficient to determine the role of this variant in disease. Therefore, it has been classified as a Variant of Uncertain Significance.